The following is an entry in ClinVar:

NM_004006.3(DMD):c.6953C>T (p.Ala2318Val)

Gene: DMD (dystrophin; minus strand). Cytogenetic location: Xp21.1.
Variant type: single nucleotide variant.
Coding change: c.6953C>T on transcript NM_004006.3 (MANE Select); coding-DNA position 6953, C replaced by T.
Protein change: p.Ala2318Val; replaces alanine 2318 with valine.
Molecular consequence: missense variant. On other transcripts: 5 prime UTR variant (5).
Genome position (GRCh38, 1-based): chrX:31,875,333, G>A on the plus strand (C>T on the coding strand, the complement: DMD is on the minus strand). VCF-style: chrX-31875333-G-A. GRCh37 (hg19) VCF-style: chrX-31893450-G-A.
Other names: c.6929C>T, p.Ala2310Val (NM_000109.4); c.6941C>T, p.Ala2314Val (NM_004009.3); c.6584C>T, p.Ala2195Val (NM_004010.3); c.2930C>T, p.Ala977Val (NM_004011.4); c.2921C>T, p.Ala974Val (NM_004012.4); c.-428C>T (NM_004013.3, NM_004020.4, NM_004021.3 and 2 more transcripts); short protein forms A2310V, A2314V, A2318V, A977V, A2195V, A974V.
Identifiers: ClinVar variation 699747 (VCV000699747.20), dbSNP rs771215006, ClinGen allele CA10378365.
Genomic context (GRCh38, chrX:31,875,333, plus strand): 5'-TTTAACTGCTCTTCAAGGTCTTCAAGCTTTTTTTCAAGCTGCCCAAGGTCTTTTATTTGA[G>A]CTTCAATTTCTCCTTGTTTCTCAGGTAAAGCTCTGGAAACCTGAAAGGAAAATACATTTT-3'
Protein context (NP_003997.2, residues 2308-2328): ALPEKQGEIE[Ala2318Val]QIKDLGQLEK

ClinVar aggregate classification (germline): Conflicting classifications of pathogenicity. Review status: criteria provided, conflicting classifications (1 of 4 stars). 3 submissions from 3 submitters: Uncertain significance (1); Benign (1); Likely benign (1). Last evaluated 2026-02-01.

Conditions:
Cardiovascular phenotype. Identifiers: MedGen CN230736.
Duchenne muscular dystrophy (DMD). Also called: MUSCULAR DYSTROPHY, PSEUDOHYPERTROPHIC PROGRESSIVE, DUCHENNE TYPE; Duchenne Muscular Dystrophy (DMD). Identifiers: Orphanet 98896, MedGen C0013264, MONDO:0010679, OMIM 310200.

Allele frequency attached by ClinVar (database versions not stated): gnomAD exomes 0.00004 and 0.00012; gnomAD 0.00006 and 0.00007; ExAC 0.00007; TOPMed 0.00007.
gnomAD v4.1: 130 of 1,200,844 alleles (0.011%); highest among the groups gnomAD compares: Non-Finnish European, 0.014%; no homozygotes.

Submissions (3):

Labcorp Genetics (formerly Invitae), Labcorp
Classification: Benign for Duchenne muscular dystrophy. Last evaluated: 2026-02-01. Review status: criteria provided, single submitter. Criteria: Invitae Variant Classification Sherloc (09022015). Collection method: clinical testing. Allele origin: germline.

Ambry Genetics
Classification: Likely benign for Cardiovascular phenotype. Last evaluated: 2026-01-30. Review status: criteria provided, single submitter. Criteria: Ambry Variant Classification Scheme 2023. Collection method: clinical testing. Allele origin: germline.

ARUP Laboratories, Molecular Genetics and Genomics, ARUP Laboratories
Classification: Uncertain significance. Last evaluated: 2020-07-21. Review status: criteria provided, single submitter. Criteria: ARUP Molecular Germline Variant Investigation Process. Collection method: clinical testing. Allele origin: germline.
Comment: The DMD c.6953C>T; p.Ala2318Val variant (rs771215006), to our knowledge, is not reported in the medical literature but is reported as benign in ClinVar (Variation ID: 699747). This variant is found in the non-Finnish European population with an allele frequency of 0.01% (10/89,817 alleles, including 4 homizygotes) in the Genome Aggregation Database. The alanine at codon 2318 is moderately conserved, and computational analyses (SIFT, PolyPhen-2) predict that this variant is tolerated. Due to limited information, the clinical significance of the p.Ala2318Val variant is uncertain at this time. Gene statement: Pathogenic variants in DMD are inherited in an X-linked manner and are associated with Duchenne muscular dystrophy (MIM: 310200), Becker muscular dystrophy (MIM: 300376), and dilated cardiomyopathy (MIM: 302045).

Literature cited by the submitters: PubMed 38691546 (cited by Ambry Genetics); PubMed 39588385 (cited by Ambry Genetics).